The following is an entry in ClinVar:

NM_201253.3(CRB1):c.823G>A (p.Gly275Arg)

Gene: CRB1 (crumbs cell polarity complex component 1; plus strand). Cytogenetic location: 1q31.3.
Variant type: single nucleotide variant.
Coding change: c.823G>A on transcript NM_201253.3 (MANE Select); coding-DNA position 823, G replaced by A.
Protein change: p.Gly275Arg; replaces glycine 275 with arginine.
Molecular consequence: missense variant. On other transcripts: non-coding transcript variant (2), intron variant (1).
Genome position (GRCh38, 1-based): chr1:197,344,451, G>A. VCF-style: chr1-197344451-G-A. GRCh37 (hg19) VCF-style: chr1-197313581-G-A.
Other names: c.616G>A, p.Gly206Arg (NM_001257965.2); c.823G>A, p.Gly275Arg (NM_001257966.2); c.653-12380G>A (NM_001193640.2); short protein forms G275R, G206R.
Identifiers: ClinVar variation 2173459 (VCV002173459.1), dbSNP rs1558067931, ClinGen allele CA344083510.

ClinVar aggregate classification (germline): Uncertain significance (1 of 4 stars; one submission).

Conditions:
Retinitis pigmentosa 12 (RP12). Also called: RP WITH OR WITHOUT PPRPE; RP WITH OR WITHOUT PRESERVED PARAARTERIOLE RETINAL PIGMENT EPITHELIUM; RETINITIS PIGMENTOSA WITH OR WITHOUT PARAARTERIOLAR PRESERVATION OF RETINAL PIGMENT EPITHELIUM. Identifiers: Orphanet 791, MedGen C1838647, MONDO:0010818, OMIM 600105.
Leber congenital amaurosis 8 (LCA8). Identifiers: Orphanet 65, MedGen C3151202, MONDO:0013453, OMIM 613835.

Allele frequency attached by ClinVar (database versions not stated): gnomAD exomes below 0.00001; gnomAD 0.00001.
gnomAD v4.1: 3 of 1,613,972 alleles (0.00019%); highest among the groups gnomAD compares: African/African-American, 0.0013%; no homozygotes.

Submission:

Labcorp Genetics (formerly Invitae), Labcorp
Classification: Uncertain significance for Leber congenital amaurosis 8; Retinitis pigmentosa 12. Last evaluated: 2022-08-28. Review status: criteria provided, single submitter. Criteria: Invitae Variant Classification Sherloc (09022015). Collection method: clinical testing. Allele origin: germline.
Comment: This sequence change replaces glycine, which is neutral and non-polar, with arginine, which is basic and polar, at codon 275 of the CRB1 protein (p.Gly275Arg). This variant is not present in population databases (gnomAD no frequency). This variant has not been reported in the literature in individuals affected with CRB1-related conditions. Advanced modeling of protein sequence and biophysical properties (such as structural, functional, and spatial information, amino acid conservation, physicochemical variation, residue mobility, and thermodynamic stability) performed at Invitae indicates that this missense variant is expected to disrupt CRB1 protein function. Algorithms developed to predict the effect of sequence changes on RNA splicing suggest that this variant may create or strengthen a splice site. In summary, the available evidence is currently insufficient to determine the role of this variant in disease. Therefore, it has been classified as a Variant of Uncertain Significance.